The following is an entry in ClinVar:

ClinVar aggregate classification (germline): Likely benign (1 of 4 stars; one submission).

Allele frequency attached by ClinVar (database versions not stated): ExAC 0.00015; 1000 Genomes Project 30x 0.00016; 1000 Genomes Project 0.00020; TOPMed 0.00028; gnomAD 0.00032; ESP Exome Variant Server 0.00057.
gnomAD v4.1: 754 of 1,610,754 alleles (0.047%); highest among the groups gnomAD compares: Non-Finnish European, 0.059%; no homozygotes.

Submission:

CeGaT Center for Human Genetics Tuebingen
Classification: Likely benign. Last evaluated: 2022-05-01. Review status: criteria provided, single submitter. Criteria: CeGaT Center For Human Genetics Tuebingen Variant Classification Criteria Version 2. Collection method: clinical testing. Allele origin: germline. Affected: yes. Observed: 1 variant allele.
Comment: PCDHB9: BP4, BP7

NM_019119.5(PCDHB9):c.858A>G (p.Glu286=)

Genes: PCDHB9 (protocadherin beta 9; plus strand), PCDHB@ (protocadherin beta cluster; plus strand). Cytogenetic location: 5q31.3.
Variant type: single nucleotide variant.
Coding change: c.858A>G on transcript NM_019119.5 (MANE Select); coding-DNA position 858, A replaced by G.
Protein change: p.Glu286=; no amino-acid change (glutamic acid 286 retained).
Molecular consequence: synonymous variant.
Genome position (GRCh38, 1-based): chr5:141,188,176, A>G. VCF-style: chr5-141188176-A-G. GRCh37 (hg19) VCF-style: chr5-140567750-A-G.
Identifiers: ClinVar variation 2655826 (VCV002655826.24), dbSNP rs372812181, ClinGen allele CA3460901.